The following is an entry in ClinVar:

NM_001042492.3(NF1):c.1988G>A (p.Gly663Glu)

Gene: NF1 (neurofibromin 1; plus strand). Cytogenetic location: 17q11.2.
Variant type: single nucleotide variant.
Coding change: c.1988G>A on transcript NM_001042492.3 (MANE Select); coding-DNA position 1988, G replaced by A.
Protein change: p.Gly663Glu; replaces glycine 663 with glutamic acid.
Molecular consequence: missense variant.
Genome position (GRCh38, 1-based): chr17:31,225,237, G>A. VCF-style: chr17-31225237-G-A. GRCh37 (hg19) VCF-style: chr17-29552255-G-A.
Other names: c.1988G>A, p.Gly663Glu (NM_000267.4); short protein forms G663E.
Identifiers: ClinVar variation 845131 (VCV000845131.10), dbSNP rs2066993661, ClinGen allele CA399005604.

ClinVar aggregate classification (germline): Uncertain significance. Review status: criteria provided, multiple submitters, no conflicts (2 of 4 stars). 4 submissions from 4 submitters: Uncertain significance (4). Last evaluated 2024-04-29.

Conditions:
Neurofibromatosis, type 1 (NF1). Also called: Peripheral type neurofibromatosis; VON RECKLINGHAUSEN DISEASE; Neurofibromatosis, type I; NEUROFIBROMATOSIS, TYPE I, SOMATIC. Identifiers: Orphanet 636, MedGen C0027831, MONDO:0018975, OMIM 162200. Disease mechanism: loss of function.

Submissions (4):

Labcorp Genetics (formerly Invitae), Labcorp
Classification: Uncertain significance for Neurofibromatosis, type 1. Last evaluated: 2024-04-29. Review status: criteria provided, single submitter. Criteria: Invitae Variant Classification Sherloc (09022015). Collection method: clinical testing. Allele origin: germline.
Comment: This sequence change replaces glycine, which is neutral and non-polar, with glutamic acid, which is acidic and polar, at codon 663 of the NF1 protein (p.Gly663Glu). This variant is not present in population databases (gnomAD no frequency). This variant has not been reported in the literature in individuals affected with NF1-related conditions. ClinVar contains an entry for this variant (Variation ID: 845131). Advanced modeling of protein sequence and biophysical properties (such as structural, functional, and spatial information, amino acid conservation, physicochemical variation, residue mobility, and thermodynamic stability) performed at Invitae indicates that this missense variant is not expected to disrupt NF1 protein function with a negative predictive value of 95%. In summary, the available evidence is currently insufficient to determine the role of this variant in disease. Therefore, it has been classified as a Variant of Uncertain Significance.

Women's Health and Genetics/Laboratory Corporation of America, LabCorp
Classification: Uncertain significance. Last evaluated: 2023-08-02. Review status: criteria provided, single submitter. Criteria: LabCorp Variant Classification Summary - May 2015. Collection method: clinical testing. Allele origin: germline.
Comment: Variant summary: NF1 c.1988G>A (p.Gly663Glu) results in a non-conservative amino acid change in the encoded protein sequence. Three of four in-silico tools predict a damaging effect of the variant on protein function. The variant was absent in 251020 control chromosomes. The available data on variant occurrences in the general population are insufficient to allow any conclusion about variant significance. To our knowledge, no occurrence of c.1988G>A in individuals affected with Neurofibromatosis Type 1 and no experimental evidence demonstrating its impact on protein function have been reported. Three submitters have cited clinical-significance assessments for this variant to ClinVar after 2014. All submitters classified the variant as uncertain significance. Based on the evidence outlined above, the variant was classified as uncertain significance.

Genome-Nilou Lab
Classification: Uncertain significance for Neurofibromatosis, type 1. Last evaluated: 2022-03-15. Review status: criteria provided, single submitter. Criteria: ACMG Guidelines, 2015. Collection method: clinical testing. Allele origin: germline. Affected: no.

Genome Diagnostics Laboratory, The Hospital for Sick Children
Classification: Uncertain significance for Neurofibromatosis, type 1. Last evaluated: 2020-10-26. Review status: criteria provided, single submitter. Criteria: ACMG Guidelines, 2015. Collection method: clinical testing. Allele origin: germline. Affected: yes.